The following is an entry in ClinVar:

NM_001365276.2(TNXB):c.5143dup (p.Gln1715fs)

Gene: TNXB (tenascin XB; minus strand). Cytogenetic location: 6p21.33.
Variant type: Duplication.
Coding change: c.5143dup on transcript NM_001365276.2 (MANE Select); coding-DNA position 5143, one base duplicated (C; older notation c.5143dupC).
Protein change: p.Gln1715fs; shifts the reading frame from glutamine 1715.
Molecular consequence: frameshift variant.
Genome position (GRCh38, 1-based): chr6:32,070,262, G duplicated on the plus strand (C on the coding strand, the reverse complement: TNXB is on the minus strand); the first of 4 consecutive G bases (chr6:32,070,262-32,070,265); duplicating any one gives the same sequence. VCF-style (leftmost placement, unchanged base first): chr6-32070261-T-TG. GRCh37 (hg19) VCF-style: chr6-32038038-T-TG.
Other names: c.5884dup, p.Gln1962fs (NM_001428335.1); c.5143dup, p.Gln1715fs (NM_019105.8); short protein forms Q1715fs, Q1962fs.
Identifiers: ClinVar variation 5016294 (VCV005016294.1).
Genomic context (GRCh38, chr6:32,070,261, plus strand): 5'-CGGCCGGCATCCAGAGGGGTGACAGTGACAGAGCGCTCATGGCCCTCCACGGGCACCACC[T>TG]GGGGCCCGTCTTTGTCCTTGAACTGGACCACAAAAGAGTCGAACTGGCCCTCAGGAACCG-3'

ClinVar aggregate classification (germline): Pathogenic (1 of 4 stars; one submission).

Conditions:
Ehlers-Danlos syndrome due to tenascin-X deficiency (EDSCLL1). Also called: EDS DUE TO TNX DEFICIENCY; TNX DEFICIENCY; Ehlers-Danlos syndrome, classic-like, 1; EHLERS-DANLOS SYNDROME, CLASSIC-LIKE; TNXB-Related Classical-Like Ehlers-Danlos Syndrome. Identifiers: Orphanet 230839, MedGen C1848029, MONDO:0011670, OMIM 606408.

Submission:

Myriad Genetics, Inc.
Classification: Pathogenic for Ehlers-Danlos syndrome due to tenascin-X deficiency. Last evaluated: 2026-08-29. Review status: criteria provided, single submitter. Criteria: Myriad Autosomal Dominant, Autosomal Recessive and X-Linked Classification Criteria (2023). Collection method: clinical testing. Allele origin: unknown.
Comment: NM_019105.6(TNXB):c.5143dupC(Q1715Pfs*9) is expected to be pathogenic in the context of classical-like Ehlers-Danlos syndrome, TNXB-related. This variant is predicted to lead to an abnormal or absent protein product due to the creation of a premature termination codon in TNXB, a gene where loss-of-function variants are known to be pathogenic. Please note: this variant was assessed in the context of healthy population screening.